The following is an entry in ClinVar:

NM_002474.3(MYH11):c.685G>A (p.Gly229Ser)

Gene: MYH11 (myosin heavy chain 11; minus strand). Cytogenetic location: 16p13.11.
Variant type: single nucleotide variant.
Coding change: c.685G>A on transcript NM_002474.3 (MANE Select); coding-DNA position 685, G replaced by A.
Protein change: p.Gly229Ser; replaces glycine 229 with serine.
Molecular consequence: missense variant.
Genome position (GRCh38, 1-based): chr16:15,782,426, C>T on the plus strand (G>A on the coding strand, the complement: MYH11 is on the minus strand). VCF-style: chr16-15782426-C-T. GRCh37 (hg19) VCF-style: chr16-15876283-C-T.
Other names: c.706G>A, p.Gly236Ser (NM_001040113.2, NM_001040114.2); c.685G>A, p.Gly229Ser (NM_022844.3); short protein forms G229S, G236S.
Identifiers: ClinVar variation 921485 (VCV000921485.6), dbSNP rs1242871546, ClinGen allele CA394871010.
Genomic context (GRCh38, chr16:15,782,426, plus strand): 5'-ATGTGGCTTTGCTACTTACGAATCGTGAGGAGTTGTCGTTCTTCACTGTTTTGGCGTTGC[C>T]GAAAGCCTCCAGAATCGGGTTTGCTTGTAGAAGCTGCTTTTCCAGCTCTCCCTAAAATTC-3'
Protein context (NP_002465.1, residues 219-239): LQANPILEAF[Gly229Ser]NAKTVKNDNS

ClinVar aggregate classification (germline): Uncertain significance. Review status: criteria provided, multiple submitters, no conflicts (2 of 4 stars). 2 submissions from 2 submitters: Uncertain significance (2). Last evaluated 2024-03-06.

Conditions:
Familial thoracic aortic aneurysm and aortic dissection (TAAD). Also called: Thoracic aortic aneurysms and dissections. Identifiers: Orphanet 91387, MedGen C4707243, MONDO:0019625.
Megacystis-microcolon-intestinal hypoperistalsis syndrome 2. Identifiers: MedGen C5543476, MONDO:0025708, OMIM 619351.
Visceral myopathy 2. Identifiers: MedGen C5543466, MONDO:0859157, OMIM 619350.
Aortic aneurysm, familial thoracic 4 (AAT4). Also called: AORTIC ANEURYSM/AORTIC DISSECTION AND PATENT DUCTUS ARTERIOSUS. Identifiers: MedGen C1851504, MONDO:0007568, OMIM 132900.

Allele frequency attached by ClinVar (database versions not stated): TOPMed below 0.00001; gnomAD 0.00001.

Submissions (2):

Color Diagnostics, LLC DBA Color Health
Classification: Uncertain significance for Familial thoracic aortic aneurysm and aortic dissection. Last evaluated: 2024-03-06. Review status: criteria provided, single submitter. Criteria: ACMG Guidelines, 2015. Collection method: clinical testing. Allele origin: germline.
Comment: This missense variant replaces glycine with serine at codon 236 of the MYH11 protein. Computational prediction suggests that this variant may have deleterious impact on protein structure and function (internally defined REVEL score threshold >= 0.7, PMID: 27666373). To our knowledge, functional studies have not been reported for this variant. This variant has not been reported in individuals affected with MYH11-related disorders in the literature. This variant has not been identified in the general population by the Genome Aggregation Database (gnomAD). The available evidence is insufficient to determine the role of this variant in disease conclusively. Therefore, this variant is classified as a Variant of Uncertain Significance.

Fulgent Genetics
Classification: Uncertain significance for Aortic aneurysm, familial thoracic 4; Visceral myopathy 2; Megacystis-microcolon-intestinal hypoperistalsis syndrome 2. Last evaluated: 2021-09-13. Review status: criteria provided, single submitter. Criteria: ACMG Guidelines, 2015. Collection method: clinical testing. Allele origin: unknown.